The following is an entry in ClinVar:

ClinVar aggregate classification (germline): Conflicting classifications of pathogenicity. Review status: criteria provided, conflicting classifications (1 of 4 stars). 24 submissions from 20 submitters: Uncertain significance (7); Benign (3); Likely benign (10). 4 of the submissions do not count toward it. Last evaluated 2026-09-01.

Conditions:
TTN-related disorder. Also called: TTN-related disorders; TTN-related condition; TTN-related disease.
Cardiovascular phenotype. Identifiers: MedGen CN230736.
Autosomal recessive limb-girdle muscular dystrophy type 2J (LGMDR10). Also called: Limb-girdle muscular dystrophy, type 2J; MUSCULAR DYSTROPHY, LIMB-GIRDLE, AUTOSOMAL RECESSIVE 10. Identifiers: Orphanet 140922, MedGen C1837342, MONDO:0012127, OMIM 608807.
Dilated cardiomyopathy 1G (CMD1G). Identifiers: Orphanet 154, MedGen C1858763, MONDO:0011400, OMIM 604145.
Arrhythmogenic right ventricular cardiomyopathy (ARVD). Also called: Arrhythmogenic Right Ventricular Cardiomyopathy (ARVC); Arrhythmogenic cardiomyopathy; Cardiomyopathy, ARVC; Arrhythmogenic right ventricular dysplasia. Identifiers: Orphanet 247, MedGen C0349788, MeSH D019571, MONDO:0016587. Disease mechanism: loss of function. Inheritance: Various modes of inheritance.
Cardiomyopathy (CMYO). Also called: Cardiomyopathies. Identifiers: Orphanet 167848, MedGen C0878544, MONDO:0004994, HP:0001638. Inheritance: Various modes of inheritance.
Early-onset myopathy with fatal cardiomyopathy (CMYO5). Also called: Salih Myopathy; CONGENITAL MYOPATHY 5 WITH CARDIOMYOPATHY. Identifiers: Orphanet 289377, MedGen C2673677, MONDO:0012714, OMIM 611705. Disease mechanism: loss of function.
Myopathy, myofibrillar, 9, with early respiratory failure (MFM9). Also called: EDSTROM MYOPATHY; MYOPATHY, PROXIMAL, WITH EARLY RESPIRATORY MUSCLE INVOLVEMENT; Hereditary myopathy with early respiratory failure; Myopathy, distal, with early respiratory failure, autosomal dominant. Identifiers: Orphanet 178464, Orphanet 34521, MedGen C1863599, MONDO:0011362, OMIM 603689.
Tibial muscular dystrophy (TMD). Also called: Udd Distal Myopathy – Tibial Muscular Dystrophy; Tibial muscular dystrophy, tardive; UDD MYOPATHY. Identifiers: Orphanet 609, MedGen C1838244, MONDO:0010870, OMIM 600334.

Allele frequency attached by ClinVar (database versions not stated): 1000 Genomes Project 0.00040; 1000 Genomes Project 30x 0.00047; ExAC 0.00054; gnomAD exomes 0.00069 and 0.00133; TOPMed 0.00080; gnomAD 0.00088 and 0.00089; ESP Exome Variant Server 0.00108.
gnomAD v4.1: 2,039 of 1,614,060 alleles (0.13%); highest among the groups gnomAD compares: Non-Finnish European, 0.16%; 2 homozygotes.

Submissions 1 to 16 of 24:

CeGaT Center for Human Genetics Tuebingen
Classification: Likely benign. Last evaluated: 2026-09-01. Review status: criteria provided, single submitter. Criteria: CeGaT Center For Human Genetics Tuebingen Variant Classification Criteria Version 2. Collection method: clinical testing. Allele origin: germline. Affected: yes. Observed: 7 variant alleles.
Comment: TTN: BS2

Molecular Diagnostic Laboratory for Inherited Cardiovascular Disease, Montreal Heart Institute
Classification: Likely benign. Last evaluated: 2025-04-09. Review status: criteria provided, single submitter. Criteria: ACMG Guidelines, 2015. Collection method: clinical testing. Allele origin: germline. Affected: no.

PreventionGenetics, part of Exact Sciences
Classification: Likely benign for TTN-related condition. Last evaluated: 2025-03-26. Review status: criteria provided, single submitter. Criteria: ACMG Guidelines, 2015. Collection method: clinical testing. Allele origin: germline.
Comment: This variant is classified as likely benign based on ACMG/AMP sequence variant interpretation guidelines (Richards et al. 2015 PMID: 25741868, with internal and published modifications).

Blueprint Genetics
Classification: Likely benign. Last evaluated: 2024-11-15. Review status: criteria provided, single submitter. Criteria: ACMG Guidelines, 2015. Collection method: clinical testing. Allele origin: germline.

Athena Diagnostics
Classification: Likely benign. Last evaluated: 2024-03-08. Review status: criteria provided, single submitter. Criteria: Athena Diagnostics Criteria. Collection method: clinical testing. Allele origin: unknown.

ARUP Laboratories, Molecular Genetics and Genomics, ARUP Laboratories
Classification: Uncertain significance. Last evaluated: 2022-10-21. Review status: criteria provided, single submitter. Criteria: ARUP Molecular Germline Variant Investigation Process 2021. Collection method: clinical testing. Allele origin: germline.
Comment: The TTN c.4396T>C; p.Phe1466Leu variant (rs151310601; ClinVar Variation ID: 166320) is rare in the general population (<1% allele frequency in the Genome Aggregation Database) and has not been reported in the medical literature in association with dilated cardiomyopathy (DCM) or other TTN-related disease. The clinical relevance of rare missense variants in this gene, which are identified on average once per individual sequenced in affected populations (Herman 2012), is not well understood. Yet, evidence suggests that the vast majority of such missense variants do not contribute to the clinical outcome of DCM (Begay 2015). Thus, the clinical significance of this variant cannot be determined with certainty.

GeneDx
Classification: Likely benign. Last evaluated: 2021-04-07. Review status: criteria provided, single submitter. Criteria: GeneDx Variant Classification Process June 2021. Collection method: clinical testing. Allele origin: germline. Affected: yes.
Comment: This variant is associated with the following publications: (PMID: 23396983, 23861362, 28771489)

Women's Health and Genetics/Laboratory Corporation of America, LabCorp
Classification: Likely benign. Last evaluated: 2021-01-14. Review status: criteria provided, single submitter. Criteria: LabCorp Variant Classification Summary - May 2015. Collection method: clinical testing. Allele origin: germline.
Comment: Variant summary: TTN c.4396T>C (p.Phe1466Leu) results in a non-conservative amino acid change in the encoded protein sequence. Three of four in-silico tools predict a benign effect of the variant on protein function. The variant allele was found at a frequency of 0.00069 in 250944 control chromosomes. The observed variant frequency is approximately 1.76 fold of the estimated maximal expected allele frequency for a pathogenic variant in TTN causing Dilated Cardiomyopathy phenotype (0.00039), strongly suggesting that the variant is benign. c.4396T>C has been reported in the literature in individuals affected with Cardiomyopathy, without strong evidence of causality. These reports do not provide unequivocal conclusions about association of the variant with Dilated Cardiomyopathy. To our knowledge, no experimental evidence demonstrating an impact on protein function has been reported. Nine clinical diagnostic laboratories have submitted clinical-significance assessments for this variant to ClinVar after 2014 without evidence for independent evaluation. Four labs classified the variant as bening/likely benign while five classified the variant as VUS. Based on the evidence outlined above, the variant was classified as likely benign.

Ambry Genetics
Classification: Likely benign for Cardiovascular phenotype. Last evaluated: 2019-11-27. Review status: criteria provided, single submitter. Criteria: Ambry Variant Classification Scheme 2023. Collection method: clinical testing. Allele origin: germline.

CHEO Genetics Diagnostic Laboratory, Children's Hospital of Eastern Ontario
Classification: Benign for Cardiomyopathy. Last evaluated: 2018-04-23. Review status: criteria provided, single submitter. Criteria: ACMG Guidelines, 2015. Collection method: clinical testing. Allele origin: germline.

Illumina Laboratory Services, Illumina
Classification: Uncertain significance for Early-onset myopathy with fatal cardiomyopathy. Last evaluated: 2018-01-13. Review status: criteria provided, single submitter. Criteria: ICSL Variant Classification Criteria 13 December 2019. Collection method: clinical testing. Allele origin: germline.

Illumina Laboratory Services, Illumina
Classification: Benign for Myopathy, myofibrillar, 9, with early respiratory failure. Last evaluated: 2018-01-13. Review status: criteria provided, single submitter. Criteria: ICSL Variant Classification Criteria 13 December 2019. Collection method: clinical testing. Allele origin: germline.
Comment: This variant was observed in the ICSL laboratory as part of a predisposition screen in an ostensibly healthy population. It had not been previously curated by ICSL or reported in the Human Gene Mutation Database (HGMD: prior to June 1st, 2018), and was therefore a candidate for classification through an automated scoring system. Utilizing variant allele frequency, disease prevalence and penetrance estimates, and inheritance mode, an automated score was calculated to assess if this variant is too frequent to cause the disease. Based on the score and internal cut-off values, a variant classified as benign is not then subjected to further curation. The score for this variant resulted in a classification of benign for this disease.

Illumina Laboratory Services, Illumina
Classification: Uncertain significance for Autosomal recessive limb-girdle muscular dystrophy type 2J. Last evaluated: 2018-01-13. Review status: criteria provided, single submitter. Criteria: ICSL Variant Classification Criteria 13 December 2019. Collection method: clinical testing. Allele origin: germline.

Illumina Laboratory Services, Illumina
Classification: Uncertain significance for Dilated cardiomyopathy 1G. Last evaluated: 2018-01-13. Review status: criteria provided, single submitter. Criteria: ICSL Variant Classification Criteria 13 December 2019. Collection method: clinical testing. Allele origin: germline.

Illumina Laboratory Services, Illumina
Classification: Benign for Tibial muscular dystrophy. Last evaluated: 2018-01-13. Review status: criteria provided, single submitter. Criteria: ICSL Variant Classification Criteria 13 December 2019. Collection method: clinical testing. Allele origin: germline.
Comment: the same text as in the submission from Illumina Laboratory Services, Illumina above.

Labcorp Genetics (formerly Invitae), Labcorp
Classification: Uncertain significance for Dilated cardiomyopathy 1G; Autosomal recessive limb-girdle muscular dystrophy type 2J. Last evaluated: 2017-11-29. Review status: criteria provided, single submitter. Criteria: Invitae Variant Classification Sherloc (09022015). Collection method: clinical testing. Allele origin: germline.

NM_001267550.2(TTN):c.4396T>C (p.Phe1466Leu)

Genes: TTN (titin; minus strand), LOC101927055 (uncharacterized LOC101927055; plus strand). Cytogenetic location: 2q31.2.
Variant type: single nucleotide variant.
Coding change: c.4396T>C on transcript NM_001267550.2 (MANE Select); coding-DNA position 4396, T replaced by C.
Protein change: p.Phe1466Leu; replaces phenylalanine 1466 with leucine.
Molecular consequence: missense variant. On other transcripts: non-coding transcript variant (1).
Genome position (GRCh38, 1-based): chr2:178,777,788, A>G on the plus strand (T>C on the coding strand, the complement: TTN is on the minus strand). VCF-style: chr2-178777788-A-G. GRCh37 (hg19) VCF-style: chr2-179642515-A-G.
Other names: p.F1466L:TTC>CTC; c.4258T>C, p.Phe1420Leu (NM_003319.4, NM_133432.3, NM_133437.4); c.4396T>C, p.Phe1466Leu (NM_133379.5, NM_001256850.1, NM_133378.4); short protein forms F1466L, F1420L.
Identifiers: ClinVar variation 166320 (VCV000166320.76), dbSNP rs151310601, ClinGen allele CA179328.